The following is an entry in ClinVar:

NM_000051.4(ATM):c.8486C>G (p.Pro2829Arg)

Genes: ATM (ATM serine/threonine kinase; plus strand), C11orf65 (chromosome 11 open reading frame 65; minus strand). Cytogenetic location: 11q22.3.
Variant type: single nucleotide variant.
Coding change: c.8486C>G on transcript NM_000051.4 (MANE Select); coding-DNA position 8486, C replaced by G.
Protein change: p.Pro2829Arg; replaces proline 2829 with arginine.
Molecular consequence: missense variant. On other transcripts: intron variant (2).
Genome position (GRCh38, 1-based): chr11:108,345,810, C>G. VCF-style: chr11-108345810-C-G. GRCh37 (hg19) VCF-style: chr11-108216537-C-G.
Other names: c.8486C>G, p.Pro2829Arg (NM_001351834.2); c.641-36739G>C (NM_001330368.2); c.695-10518G>C (NM_001351110.2); short protein forms P2829R.
Identifiers: ClinVar variation 1763553 (VCV001763553.5), dbSNP rs938431501, ClinGen allele CA382518071.

ClinVar aggregate classification (germline): Uncertain significance. Review status: criteria provided, multiple submitters, no conflicts (2 of 4 stars). 2 submissions from 2 submitters: Uncertain significance (2). Last evaluated 2025-10-25.

Conditions:
Ataxia-telangiectasia syndrome (AT). Also called: Ataxia telangiectasia (A-T); LOUIS-BAR SYNDROME; Cerebello-oculocutaneous telangiectasia; Immunodeficiency with ataxia telangiectasia; Ataxia-telangiectasia, complementation group D; AT, COMPLEMENTATION GROUP C. Identifiers: Orphanet 100, MedGen C0004135, MONDO:0008840, OMIM 208900.
Hereditary cancer-predisposing syndrome. Also called: Hereditary neoplastic syndrome; Neoplastic Syndromes, Hereditary; Tumor predisposition; Hereditary Cancer Syndrome. Identifiers: Orphanet 140162, MedGen C0027672, MeSH D009386, MONDO:0015356.

Submissions (2):

Labcorp Genetics (formerly Invitae), Labcorp
Classification: Uncertain significance for Ataxia-telangiectasia syndrome. Last evaluated: 2025-10-25. Review status: criteria provided, single submitter. Criteria: Invitae Variant Classification Sherloc (09022015). Collection method: clinical testing. Allele origin: germline.
Comment: This sequence change replaces proline, which is neutral and non-polar, with arginine, which is basic and polar, at codon 2829 of the ATM protein (p.Pro2829Arg). This variant is not present in population databases (gnomAD no frequency). This variant has not been reported in the literature in individuals affected with ATM-related conditions. ClinVar contains an entry for this variant (Variation ID: 1763553). Invitae Evidence Modeling of protein sequence and biophysical properties (such as structural, functional, and spatial information, amino acid conservation, physicochemical variation, residue mobility, and thermodynamic stability) indicates that this missense variant is expected to disrupt ATM protein function with a positive predictive value of 95%. In summary, the available evidence is currently insufficient to determine the role of this variant in disease. Therefore, it has been classified as a Variant of Uncertain Significance.

Ambry Genetics
Classification: Uncertain significance for Hereditary cancer-predisposing syndrome. Last evaluated: 2025-07-21. Review status: criteria provided, single submitter. Criteria: Ambry Variant Classification Scheme 2023. Collection method: clinical testing. Allele origin: germline.
Comment: The p.P2829R variant (also known as c.8486C>G), located in coding exon 57 of the ATM gene, results from a C to G substitution at nucleotide position 8486. The proline at codon 2829 is replaced by arginine, an amino acid with dissimilar properties. This amino acid position is highly conserved in available vertebrate species. In addition, this alteration is predicted to be deleterious by in silico analysis. Based on the available evidence, the clinical significance of this variant remains unclear.